The following is an entry in ClinVar:

ClinVar aggregate classification (germline): Uncertain significance. Review status: criteria provided, multiple submitters, no conflicts (2 of 4 stars). 10 submissions from 10 submitters: Uncertain significance (10). Last evaluated 2025-11-17.

Conditions:
Ataxia-telangiectasia-like disorder (ATLD). Identifiers: MedGen C1858391, MONDO:0011457.
MRE11-related disorder. Also called: MRE11-related condition.
Hereditary cancer-predisposing syndrome. Also called: Neoplastic Syndromes, Hereditary; Tumor predisposition; Hereditary Cancer Syndrome; Hereditary neoplastic syndrome. Identifiers: Orphanet 140162, MedGen C0027672, MeSH D009386, MONDO:0015356.
Ataxia-telangiectasia-like disorder 1 (ATLD1). Identifiers: Orphanet 251347, MedGen C4012790, MONDO:0024557, OMIM 604391.

Allele frequency attached by ClinVar (database versions not stated): TOPMed 0.00005; gnomAD 0.00016.
gnomAD v4.1: 49 of 1,613,820 alleles (0.003%); highest among the groups gnomAD compares: African/African-American, 0.033%; no homozygotes.

Submissions (10):

Labcorp Genetics (formerly Invitae), Labcorp
Classification: Uncertain significance for Ataxia-telangiectasia-like disorder. Last evaluated: 2025-11-17. Review status: criteria provided, single submitter. Criteria: Invitae Variant Classification Sherloc (09022015). Collection method: clinical testing. Allele origin: germline.
Comment: This sequence change replaces arginine, which is basic and polar, with glycine, which is neutral and non-polar, at codon 576 of the MRE11 protein (p.Arg576Gly). This variant is present in population databases (rs774277300, gnomAD 0.04%). This variant has not been reported in the literature in individuals affected with MRE11-related conditions. ClinVar contains an entry for this variant (Variation ID: 186717). An algorithm developed to predict the effect of missense changes on protein structure and function (PolyPhen-2) suggests that this variant is likely to be tolerated. In summary, the available evidence is currently insufficient to determine the role of this variant in disease. Therefore, it has been classified as a Variant of Uncertain Significance.

Quest Diagnostics Nichols Institute San Juan Capistrano
Classification: Uncertain significance. Last evaluated: 2025-06-17. Review status: criteria provided, single submitter. Criteria: Quest Diagnostics criteria. Collection method: clinical testing. Allele origin: unknown.

Fulgent Genetics
Classification: Uncertain significance for Ataxia-telangiectasia-like disorder 1. Last evaluated: 2024-02-21. Review status: criteria provided, single submitter. Criteria: ACMG Guidelines, 2015. Collection method: clinical testing. Allele origin: germline.

Ambry Genetics
Classification: Uncertain significance for Hereditary cancer-predisposing syndrome. Last evaluated: 2023-09-01. Review status: criteria provided, single submitter. Criteria: Ambry Variant Classification Scheme 2023. Collection method: clinical testing. Allele origin: germline.
Comment: The p.R576G variant (also known as c.1726C>G), located in coding exon 14 of the MRE11A gene, results from a C to G substitution at nucleotide position 1726. The arginine at codon 576 is replaced by glycine, an amino acid with dissimilar properties. This amino acid position is not well conserved in available vertebrate species. In addition, this alteration is predicted to be tolerated by in silico analysis. Since supporting evidence is limited at this time, the clinical significance of this alteration remains unclear.

Baylor Genetics
Classification: Uncertain significance for Ataxia-telangiectasia-like disorder 1. Last evaluated: 2023-02-20. Review status: criteria provided, single submitter. Criteria: ACMG Guidelines, 2015. Collection method: clinical testing. Allele origin: unknown.

PreventionGenetics, part of Exact Sciences
Classification: Uncertain significance for MRE11-related condition. Last evaluated: 2022-10-19. Review status: criteria provided, single submitter. Criteria: ACMG Guidelines, 2015. Collection method: clinical testing. Allele origin: germline.
Comment: The MRE11 c.1726C>G variant is predicted to result in the amino acid substitution p.Arg576Gly. This variant has been reported with uncertain significance in a study of individuals of Asian descent with young-onset colorectal cancer (Supplemental Results, Toh et al. 2018. PubMed ID: 31360874). This variant is reported in 0.040% of alleles in individuals of African descent in gnomAD and is reported with uncertain significance in ClinVar. At this time, the clinical significance of this variant is uncertain due to the absence of conclusive functional and genetic evidence.

Women's Health and Genetics/Laboratory Corporation of America, LabCorp
Classification: Uncertain significance. Last evaluated: 2022-07-11. Review status: criteria provided, single submitter. Criteria: LabCorp Variant Classification Summary - May 2015. Collection method: clinical testing. Allele origin: germline.
Comment: Variant summary: MRE11 (also known as MRE11A) c.1726C>G (p.Arg576Gly) results in a non-conservative amino acid change in the encoded protein sequence. Four of five in-silico tools predict a benign effect of the variant on protein function. The variant allele was found at a frequency of 4e-05 in 251314 control chromosomes. This frequency is not significantly higher than expected for a pathogenic variant in MRE11 causing Hereditary Breast And Ovarian Cancer Syndrome (4e-05 vs 6.3e-05), allowing no conclusion about variant significance. c.1726C>G has been reported in the literature in individuals affected with colorectal cancer. This report does not provide unequivocal conclusions about association of the variant with Hereditary Breast And Ovarian Cancer Syndrome. To our knowledge, no experimental evidence demonstrating an impact on protein function has been reported. Five clinical diagnostic laboratories have submitted clinical-significance assessments for this variant to ClinVar after 2014 without evidence for independent evaluation. All laboratories classified the variant as uncertain significance. Based on the evidence outlined above, the variant was classified as uncertain significance.

Sema4
Classification: Uncertain significance for Hereditary cancer-predisposing syndrome. Last evaluated: 2022-02-04. Review status: criteria provided, single submitter. Criteria: Sema4 Curation Guidelines. Collection method: curation. Allele origin: germline.
Comment: The MRE11 c.1726C>G (p.R576G) variant has been reported by a large case-control study in 6/60466 breast cancer cases and 3/53461 controls (PMID: 33471991). It was observed in 10/24958 chromosomes of the African/African American subpopulation, with no homozygotes, in the large and broad cohorts of the Genome Aggregation Database (PMID: 32461654). This variant has been reported in ClinVar (Variation ID 186717). Functional studies have not been performed, and in silico predictions of the variant's effect on protein function are inconclusive. The evidence is insufficient to meet ACMG/AMP criteria for classifying the variant as benign or pathogenic. Thus, the clinical significance of this variant is currently uncertain.

Laboratorio de Genetica e Diagnostico Molecular, Hospital Israelita Albert Einstein
Classification: Uncertain significance. Last evaluated: 2019-09-26. Review status: criteria provided, single submitter. Criteria: ACMG Guidelines, 2015. Collection method: clinical testing. Allele origin: germline. Affected: yes.
Comment: ACMG classification criteria: PM2

ARUP Laboratories, Molecular Genetics and Genomics, ARUP Laboratories
Classification: Uncertain significance. Last evaluated: 2016-12-05. Review status: criteria provided, single submitter. Criteria: ARUP Molecular Germline Variant Investigation Process. Collection method: clinical testing. Allele origin: germline.

Literature cited by the submitters: PubMed 31360874 (cited by Women's Health and Genetics/Laboratory Corporation of America, LabCorp); PubMed 33471991 (cited by Sema4).

NM_005591.4(MRE11):c.1726C>G (p.Arg576Gly)

Gene: MRE11 (MRE11 double strand break repair nuclease; minus strand). Cytogenetic location: 11q21.
Variant type: single nucleotide variant.
Coding change: c.1726C>G on transcript NM_005591.4 (MANE Select); coding-DNA position 1726, C replaced by G.
Protein change: p.Arg576Gly; replaces arginine 576 with glycine.
Molecular consequence: missense variant.
Genome position (GRCh38, 1-based): chr11:94,447,276, G>C on the plus strand (C>G on the coding strand, the complement: MRE11 is on the minus strand). VCF-style: chr11-94447276-G-C. GRCh37 (hg19) VCF-style: chr11-94180442-G-C.
Other names: c.1726C>G, p.Arg576Gly (NM_001330347.2, NM_005590.4); short protein forms R576G.
Identifiers: ClinVar variation 186717 (VCV000186717.32), dbSNP rs774277300, ClinGen allele CA195646.